The following is an entry in ClinVar:

NM_206933.4(USH2A):c.12074G>T (p.Ser4025Ile)

Gene: USH2A (usherin; minus strand). Cytogenetic location: 1q41.
Variant type: single nucleotide variant.
Coding change: c.12074G>T on transcript NM_206933.4 (MANE Select); coding-DNA position 12074, G replaced by T.
Protein change: p.Ser4025Ile; replaces serine 4025 with isoleucine.
Molecular consequence: missense variant.
Genome position (GRCh38, 1-based): chr1:215,680,369, C>A on the plus strand (G>T on the coding strand, the complement: USH2A is on the minus strand). VCF-style: chr1-215680369-C-A. GRCh37 (hg19) VCF-style: chr1-215853711-C-A.
Other names: short protein forms S4025I.
Identifiers: ClinVar variation 1223624 (VCV001223624.3), dbSNP rs1183608510, ClinGen allele CA344816740.

ClinVar aggregate classification (germline): Uncertain significance (1 of 4 stars; one submission).

Allele frequency attached by ClinVar (database versions not stated): gnomAD 0.00001.
gnomAD v4.1: 1 of 1,612,474 alleles (0.000062%); highest among the groups gnomAD compares: African/African-American, 0.0013%; no homozygotes.

Submission:

GeneDx
Classification: Uncertain significance. Last evaluated: 2020-01-14. Review status: criteria provided, single submitter. Criteria: GeneDx Variant Classification Process June 2021. Collection method: clinical testing. Allele origin: germline. Affected: yes.
Comment: Not observed at a significant frequency in large population cohorts (Lek et al., 2016); In silico analysis, which includes protein predictors and evolutionary conservation, supports that this variant does not alter protein structure/function; Has not been previously published as pathogenic or benign to our knowledge